The following is an entry in ClinVar:

NM_015450.3(POT1):c.1003A>G (p.Thr335Ala)

Gene: POT1 (protection of telomeres 1; minus strand). Cytogenetic location: 7q31.33.
Variant type: single nucleotide variant.
Coding change: c.1003A>G on transcript NM_015450.3 (MANE Select); coding-DNA position 1003, A replaced by G.
Protein change: p.Thr335Ala; replaces threonine 335 with alanine.
Molecular consequence: missense variant. On other transcripts: non-coding transcript variant (3).
Genome position (GRCh38, 1-based): chr7:124,846,945, T>C on the plus strand (A>G on the coding strand, the complement: POT1 is on the minus strand). VCF-style: chr7-124846945-T-C. GRCh37 (hg19) VCF-style: chr7-124486999-T-C.
Other names: c.610A>G, p.Thr204Ala (NM_001042594.2); short protein forms T204A, T335A.
Identifiers: ClinVar variation 1723806 (VCV001723806.4), dbSNP rs2485418317, ClinGen allele CA369053673.

ClinVar aggregate classification (germline): Uncertain significance. Review status: criteria provided, multiple submitters, no conflicts (2 of 4 stars). 2 submissions from 2 submitters: Uncertain significance (2). Last evaluated 2022-05-13.

Conditions:
Hereditary cancer-predisposing syndrome. Also called: Neoplastic Syndromes, Hereditary; Tumor predisposition; Hereditary neoplastic syndrome; Hereditary Cancer Syndrome. Identifiers: Orphanet 140162, MedGen C0027672, MeSH D009386, MONDO:0015356.

Submissions (2):

GeneDx
Classification: Uncertain significance. Last evaluated: 2022-05-13. Review status: criteria provided, single submitter. Criteria: GeneDx Variant Classification Process June 2021. Collection method: clinical testing. Allele origin: germline. Affected: yes.
Comment: Not observed at significant frequency in large population cohorts (gnomAD); In silico analysis supports that this missense variant does not alter protein structure/function; Has not been previously published as pathogenic or benign to our knowledge; This variant is associated with the following publications: (PMID: 28393830)

Ambry Genetics
Classification: Uncertain significance for Hereditary cancer-predisposing syndrome. Last evaluated: 2022-03-07. Review status: criteria provided, single submitter. Criteria: Ambry Variant Classification Scheme 2023. Collection method: clinical testing. Allele origin: germline.
Comment: The p.T335A variant (also known as c.1003A>G), located in coding exon 8 of the POT1 gene, results from an A to G substitution at nucleotide position 1003. The threonine at codon 335 is replaced by alanine, an amino acid with similar properties. This amino acid position is conserved. In addition, this alteration is predicted to be tolerated by in silico analysis. Since supporting evidence is limited at this time, the clinical significance of this alteration remains unclear.